The following is an entry in ClinVar:

NM_001348323.3(TRIP12):c.2353T>C (p.Cys785Arg)

Gene: TRIP12 (thyroid hormone receptor interactor 12; minus strand). Cytogenetic location: 2q36.3.
Variant type: single nucleotide variant.
Coding change: c.2353T>C on transcript NM_001348323.3 (MANE Select); coding-DNA position 2353, T replaced by C.
Protein change: p.Cys785Arg; replaces cysteine 785 with arginine.
Molecular consequence: missense variant.
Genome position (GRCh38, 1-based): chr2:229,807,851, A>G on the plus strand (T>C on the coding strand, the complement: TRIP12 is on the minus strand). VCF-style: chr2-229807851-A-G. GRCh37 (hg19) VCF-style: chr2-230672567-A-G.
Other names: c.2353T>C, p.Cys785Arg (NM_001284214.2, NM_001348315.2, NM_001348319.1 and 11 more transcripts); c.2227T>C, p.Cys743Arg (NM_001284215.2, NM_001348316.2, NM_001348317.1 and 2 more transcripts); c.1318T>C, p.Cys440Arg (NM_001284216.2); c.2266T>C, p.Cys756Arg (NM_001348332.1); c.2209T>C, p.Cys737Arg (NM_004238.3); short protein forms C440R, C737R, C743R, C756R, C785R.
Identifiers: ClinVar variation 3336350 (VCV003336350.1).

ClinVar aggregate classification (germline): Uncertain significance (1 of 4 stars; one submission).

gnomAD v4.1: 9 of 1,613,762 alleles (0.00056%); highest among the groups gnomAD compares: Non-Finnish European, 0.00068%; no homozygotes.

Submission:

Women's Health and Genetics/Laboratory Corporation of America, LabCorp
Classification: Uncertain significance. Last evaluated: 2024-05-28. Review status: criteria provided, single submitter. Criteria: LabCorp Variant Classification Summary - May 2015. Collection method: clinical testing. Allele origin: germline.
Comment: Variant summary: TRIP12 c.2353T>C (p.Cys785Arg) results in a non-conservative amino acid change in the encoded protein sequence. Three of four in-silico tools predict a damaging effect of the variant on protein function. The variant allele was found at a frequency of 4e-06 in 250740 control chromosomes. The available data on variant occurrences in the general population are insufficient to allow any conclusion about variant significance. To our knowledge, no occurrence of c.2353T>C in individuals affected with Clark-Baraitser Syndrome and no experimental evidence demonstrating its impact on protein function have been reported. No submitters have cited clinical-significance assessments for this variant to ClinVar. Based on the evidence outlined above, the variant was classified as uncertain significance.